The following is an entry in ClinVar:

NM_001379150.1(IRS4):c.521A>G (p.Asp174Gly)

Gene: IRS4 (insulin receptor substrate 4; minus strand). Cytogenetic location: Xq22.3.
Variant type: single nucleotide variant.
Coding change: c.521A>G on transcript NM_001379150.1 (MANE Select); coding-DNA position 521, A replaced by G.
Protein change: p.Asp174Gly; replaces aspartic acid 174 with glycine.
Molecular consequence: missense variant.
Genome position (GRCh38, 1-based): chrX:108,735,824, T>C on the plus strand (A>G on the coding strand, the complement: IRS4 is on the minus strand). VCF-style: chrX-108735824-T-C. GRCh37 (hg19) VCF-style: chrX-107979054-T-C.
Other names: c.521A>G, p.Asp174Gly (NM_003604.2); short protein forms D174G.
Identifiers: ClinVar variation 3344262 (VCV003344262.1).

ClinVar aggregate classification (germline): Uncertain significance (0 of 4 stars; one submission).

Conditions:
IRS4-related disorder. Also called: IRS4-related condition.

Submission:

PreventionGenetics, part of Exact Sciences
Classification: Uncertain significance for IRS4-related condition. Last evaluated: 2024-05-14. Review status: no assertion criteria provided. Collection method: clinical testing. Allele origin: germline.
Comment: The IRS4 c.521A>G variant is predicted to result in the amino acid substitution p.Asp174Gly. To our knowledge, this variant has not been reported in the literature or in a large population database, indicating this variant is rare. At this time, the clinical significance of this variant is uncertain due to the absence of conclusive functional and genetic evidence.